The following is an entry in ClinVar:

ClinVar aggregate classification (germline): Pathogenic (1 of 4 stars; one submission).

Conditions:
Kleefstra syndrome 1 (KLEFS1). Identifiers: Orphanet 261494, MedGen C0795833, MONDO:0027407, OMIM 610253.

Submission:

Broad Center for Mendelian Genomics, Broad Institute of MIT and Harvard
Classification: Pathogenic for Kleefstra syndrome 1. Last evaluated: 2023-05-01. Review status: criteria provided, single submitter. Criteria: ACMG/ClinGen CNV Guidelines, 2019. Collection method: research. Allele origin: germline. Inheritance: Autosomal dominant inheritance. Affected: yes.
Comment: These breakpoints have been called by exome sequencing only and therefore may not reflect the true breakpoints. The patient phenotype is nonspecific, but is consistent with cases described in the literature and/or published databases with overlapping variants. This variant deletes exons 2-25, which are in-frame, and therefore is more likely to escape nonsense mediated decay (NMD) and results in a truncated protein. The EHMT1 gene including coding sequence is known to be haploinsufficient and has been assessed by the ClinGen Dosage Sensitivity Working Group. Two reported probands from the DECIPHER have copy number loss variants in EHMT1 of similar consequence. The variants reported are confirmed de novo. The reported phenotypes are nonspecific. (DECIPHER: 277549, 280258). Data from large population studies are insufficient to assess the frequency of this variant. In summary, this variant meets criteria to be classified as pathogenic for autosomal dominant Kleefstra syndrome. The ACMG/ClinGen evidence codes and points used in this curation are as follows: 1: 0 points, 2: 0.90 points, 3: 0 points, 4-5: 0.4 points Total; 1.3 points; Riggs 2020 (PMID: 31690835).

Single allele

Genes: EHMT1 (euchromatic histone lysine methyltransferase 1; plus strand), LOC130003148 (ATAC-STARR-seq lymphoblastoid active region 29369; plus strand), LOC130003147 (ATAC-STARR-seq lymphoblastoid active region 29368; plus strand), LOC130003140 (ATAC-STARR-seq lymphoblastoid silent region 20637; plus strand), LOC130003141 (ATAC-STARR-seq lymphoblastoid active region 29361; plus strand) and 9 more. Cytogenetic location: 9q34.3.
Variant type: Deletion.
Identifiers: ClinVar variation 4819228 (VCV004819228.1).